The following is an entry in ClinVar:

NM_000233.4(LHCGR):c.370C>T (p.Arg124Ter)

Genes: STON1-GTF2A1L (STON1-GTF2A1L readthrough; plus strand), LHCGR (luteinizing hormone/choriogonadotropin receptor; minus strand). Cytogenetic location: 2p16.3.
Variant type: single nucleotide variant.
Coding change: c.370C>T on transcript NM_000233.4 (MANE Select); coding-DNA position 370, C replaced by T.
Protein change: p.Arg124Ter; replaces arginine 124 with a stop codon.
Molecular consequence: nonsense. On other transcripts: intron variant (1).
Genome position (GRCh38, 1-based): chr2:48,725,689, G>A on the plus strand (C>T on the coding strand, the complement: LHCGR is on the minus strand). VCF-style: chr2-48725689-G-A. GRCh37 (hg19) VCF-style: chr2-48952828-G-A.
Other names: c.3442-50591G>A (NM_001198593.2); short protein forms R124*.
Identifiers: ClinVar variation 492757 (VCV000492757.8), dbSNP rs773279269, ClinGen allele CA346759390.
Genomic context (GRCh38, chr2:48,725,689, plus strand): 5'-ATGCCCATCTTCCCCTCCCCAATTGCTTAAAAAGGAAAATTTCTCACAAGTATTTTAATC[G>A]GGGAAGATTTATAAATGCTCCGGGCTCAATGTATCTCAGATTTTTGGTGTTCTGGATCAG-3'

ClinVar aggregate classification (germline): Pathogenic/Likely pathogenic. Review status: criteria provided, multiple submitters, no conflicts (2 of 4 stars). 4 submissions from 4 submitters: Pathogenic (2); Likely pathogenic (2). Last evaluated 2025-08-11.

Conditions:
LHCGR-related disorder. Also called: LHCGR-related condition.
Leydig cell agenesis. Also called: Leydig cell hypoplasia, type 1; LEYDIG CELL HYPOPLASIA WITH MALE PSEUDOHERMAPHRODITISM; LEYDIG CELL HYPOPLASIA, COMPLETE; HYPERGONADOTROPIC HYPOGONADISM, MALE, DUE TO LHCGR DEFECT. Identifiers: MedGen C0266432, MONDO:0009384, OMIM 238320.

Allele frequency attached by ClinVar (database versions not stated): TOPMed below 0.00001.
gnomAD v4.1: 3 of 1,612,292 alleles (0.00019%); highest among the groups gnomAD compares: Middle Eastern, 0.033%; no homozygotes.

Submissions (4):

PreventionGenetics, part of Exact Sciences
Classification: Likely pathogenic for LHCGR-related condition. Last evaluated: 2025-08-11. Review status: criteria provided, single submitter. Criteria: ACMG Guidelines, 2015. Collection method: clinical testing. Allele origin: germline.
Comment: The LHCGR c.370C>T variant is predicted to result in premature protein termination (p.Arg124*). This variant was reported in at least one participant from a study of adults who underwent deep phenotyping and genome sequencing. Limited clinical information was provided (Hou et al. 2020. PubMed ID: 31980526). This variant has not been reported in a large population database, indicating this variant is rare. Nonsense variants in LHCGR are expected to be pathogenic. This variant is interpreted as likely pathogenic.

Genomic Medicine Center of Excellence, King Faisal Specialist Hospital and Research Centre
Classification: Likely pathogenic for Leydig cell agenesis. Last evaluated: 2024-12-19. Review status: criteria provided, single submitter. Criteria: ACMG Guidelines, 2015. Collection method: clinical testing. Allele origin: germline.

GeneDx
Classification: Pathogenic. Last evaluated: 2020-05-28. Review status: criteria provided, single submitter. Criteria: GeneDx Variant Classification Process June 2021. Collection method: clinical testing. Allele origin: germline. Affected: yes.
Comment: Nonsense variant predicted to result in protein truncation or nonsense mediated decay in a gene for which loss-of-function is a known mechanism of disease; Has not been previously published as pathogenic or benign to our knowledge; This variant is associated with the following publications: (PMID: 31980526)

Clinical Molecular Genetics Laboratory, Johns Hopkins All Children's Hospital
Classification: Pathogenic for Leydig cell agenesis. Last evaluated: 2018-01-02. Review status: criteria provided, single submitter. Criteria: ACMG Guidelines, 2015. Collection method: clinical testing. Allele origin: germline. Affected: yes.